The following is an entry in ClinVar:

NM_000535.7(PMS2):c.2036T>A (p.Ile679Asn)

Gene: PMS2 (PMS1 homolog 2, mismatch repair system component; minus strand). Cytogenetic location: 7p22.1.
Variant type: single nucleotide variant.
Coding change: c.2036T>A on transcript NM_000535.7 (MANE Select); coding-DNA position 2036, T replaced by A.
Protein change: p.Ile679Asn; replaces isoleucine 679 with asparagine.
Molecular consequence: missense variant. On other transcripts: non-coding transcript variant (1), intron variant (4).
Genome position (GRCh38, 1-based): chr7:5,982,962, A>T on the plus strand (T>A on the coding strand, the complement: PMS2 is on the minus strand). VCF-style: chr7-5982962-A-T. GRCh37 (hg19) VCF-style: chr7-6022593-A-T.
Other names: c.1631T>A, p.Ile544Asn (NM_001322003.2, NM_001322004.2, NM_001322005.2 and 14 more transcripts); c.1880T>A, p.Ile627Asn (NM_001322006.2, NM_001406870.1); c.1718T>A, p.Ile573Asn (NM_001322007.2, NM_001322008.2, NM_001406876.1 and 1 more transcripts); c.1475T>A, p.Ile492Asn (NM_001322010.2, NM_001406906.1, NM_001406907.1); c.1103T>A, p.Ile368Asn (NM_001322011.2, NM_001322012.2); c.1463T>A, p.Ile488Asn (NM_001322013.2, NM_001406909.1); c.2036T>A, p.Ile679Asn (NM_001322014.2, NM_001406871.1); c.1727T>A, p.Ile576Asn (NM_001322015.2, NM_001406875.1, NM_001406877.1 and 5 more transcripts); and 16 more; short protein forms I368N, I508N, I524N, I576N, I422N, I544N, I557N, I567N.
Identifiers: ClinVar variation 4738283 (VCV004738283.1).

ClinVar aggregate classification (germline): Uncertain significance (1 of 4 stars; one submission).

Conditions:
Hereditary nonpolyposis colorectal neoplasms. Identifiers: MedGen C0009405, MeSH D003123.

Submission:

Labcorp Genetics (formerly Invitae), Labcorp
Classification: Uncertain significance for Hereditary nonpolyposis colorectal neoplasms. Last evaluated: 2025-02-07. Review status: criteria provided, single submitter. Criteria: Invitae Variant Classification Sherloc (09022015). Collection method: clinical testing. Allele origin: germline.
Comment: This sequence change replaces isoleucine, which is neutral and non-polar, with asparagine, which is neutral and polar, at codon 679 of the PMS2 protein (p.Ile679Asn). The frequency data for this variant in the population databases (gnomAD) is considered unreliable due to the presence of homologous sequence, such as pseudogenes or paralogs, in the genome. This variant has not been reported in the literature in individuals affected with PMS2-related conditions. Invitae Evidence Modeling of protein sequence and biophysical properties (such as structural, functional, and spatial information, amino acid conservation, physicochemical variation, residue mobility, and thermodynamic stability) indicates that this missense variant is expected to disrupt PMS2 protein function with a positive predictive value of 80%. In summary, the available evidence is currently insufficient to determine the role of this variant in disease. Therefore, it has been classified as a Variant of Uncertain Significance.